The following is an entry in ClinVar:

NM_001039569.2(AP1S3):c.95C>T (p.Thr32Ile)

Gene: AP1S3 (adaptor related protein complex 1 subunit sigma 3; minus strand). Cytogenetic location: 2q36.1.
Variant type: single nucleotide variant.
Coding change: c.95C>T on transcript NM_001039569.2 (MANE Select); coding-DNA position 95, C replaced by T.
Protein change: p.Thr32Ile; replaces threonine 32 with isoleucine.
Molecular consequence: missense variant. On other transcripts: non-coding transcript variant (2).
Genome position (GRCh38, 1-based): chr2:223,777,778, G>A on the plus strand (C>T on the coding strand, the complement: AP1S3 is on the minus strand). VCF-style: chr2-223777778-G-A. GRCh37 (hg19) VCF-style: chr2-224642495-G-A.
Other names: short protein forms T32I.
Identifiers: ClinVar variation 1206126 (VCV001206126.27), dbSNP rs78536455, ClinGen allele CA2138410.

ClinVar aggregate classification (germline): Likely benign. Review status: criteria provided, single submitter (1 of 4 stars). 4 submissions from 4 submitters: Likely benign (1). 3 of the submissions do not count toward it. Last evaluated 2026-08-01.

Allele frequency attached by ClinVar (database versions not stated): 1000 Genomes Project 0.00220; 1000 Genomes Project 30x 0.00344; ExAC 0.00345; gnomAD exomes 0.00354 and 0.00531; gnomAD 0.00405 and 0.00422; TOPMed 0.00412; ESP Exome Variant Server 0.00488.
gnomAD v4.1: 8,321 of 1,614,086 alleles (0.52%); highest among the groups gnomAD compares: Non-Finnish European, 0.64%; 25 homozygotes.

Submissions (4):

CeGaT Center for Human Genetics Tuebingen
Classification: Likely benign. Last evaluated: 2026-08-01. Review status: criteria provided, single submitter. Criteria: CeGaT Center For Human Genetics Tuebingen Variant Classification Criteria Version 2. Collection method: clinical testing. Allele origin: germline. Affected: yes. Observed: 13 variant alleles.
Comment: AP1S3: BP4, BS2

Clinical Genetics DNA and cytogenetics Diagnostics Lab, Erasmus MC, Erasmus Medical Center
Classification: Likely benign. Review status: no assertion criteria provided. Collection method: clinical testing. Allele origin: germline. Affected: yes. Study: VKGL Data-share Consensus. Not counted in ClinVar's aggregate classification.

Genome Diagnostics Laboratory, University Medical Center Utrecht
Classification: Likely benign. Review status: no assertion criteria provided. Collection method: clinical testing. Allele origin: germline. Affected: yes. Study: VKGL Data-share Consensus. Not counted in ClinVar's aggregate classification.

Laboratory of Diagnostic Genome Analysis, Leiden University Medical Center (LUMC)
Classification: Likely benign. Review status: no assertion criteria provided. Collection method: clinical testing. Allele origin: germline. Affected: yes. Study: VKGL Data-share Consensus. Not counted in ClinVar's aggregate classification.